The following is an entry in ClinVar:

ClinVar aggregate classification (germline): Uncertain significance (1 of 4 stars; one submission).

Conditions:
Alstrom syndrome (ALMS). Identifiers: Orphanet 64, MedGen C0268425, MONDO:0008763, OMIM 203800.

Submission:

Labcorp Genetics (formerly Invitae), Labcorp
Classification: Uncertain significance for Alstrom syndrome. Last evaluated: 2021-03-04. Review status: criteria provided, single submitter. Criteria: Invitae Variant Classification Sherloc (09022015). Collection method: clinical testing. Allele origin: germline.
Comment: This sequence change replaces glycine with arginine at codon 3657 of the ALMS1 protein (p.Gly3657Arg). The glycine residue is moderately conserved and there is a moderate physicochemical difference between glycine and arginine. This variant is not present in population databases (ExAC no frequency). This variant has not been reported in the literature in individuals with ALMS1-related conditions. Experimental studies and prediction algorithms are not available or were not evaluated, and the functional significance of this variant is currently unknown. In summary, the available evidence is currently insufficient to determine the role of this variant in disease. Therefore, it has been classified as a Variant of Uncertain Significance.

NM_001378454.1(ALMS1):c.10966G>A (p.Gly3656Arg)

Gene: ALMS1 (ALMS1 centrosome and basal body associated protein; plus strand). Cytogenetic location: 2p13.1.
Variant type: single nucleotide variant.
Coding change: c.10966G>A on transcript NM_001378454.1 (MANE Select); coding-DNA position 10966, G replaced by A.
Protein change: p.Gly3656Arg; replaces glycine 3656 with arginine.
Molecular consequence: missense variant.
Genome position (GRCh38, 1-based): chr2:73,572,843, G>A. VCF-style: chr2-73572843-G-A. GRCh37 (hg19) VCF-style: chr2-73799970-G-A.
Other names: c.10969G>A, p.Gly3657Arg (NM_015120.4); short protein forms G3656R, G3657R.
Identifiers: ClinVar variation 1009675 (VCV001009675.6), dbSNP rs1674968038, ClinGen allele CA347286522.